The following is an entry in ClinVar:

ClinVar aggregate classification (germline): Uncertain significance. Review status: criteria provided, multiple submitters, no conflicts (2 of 4 stars). 2 submissions from 2 submitters: Uncertain significance (2). Last evaluated 2024-10-21.

Allele frequency attached by ClinVar (database versions not stated): TOPMed 0.00002; gnomAD 0.00001; gnomAD exomes 0.00001; ExAC 0.00002.
gnomAD v4.1: 15 of 1,611,648 alleles (0.00093%); highest among the groups gnomAD compares: Admixed American, 0.0084%; no homozygotes.

Submissions (3):

GeneDx
Classification: Uncertain significance. Last evaluated: 2024-10-21. Review status: criteria provided, single submitter. Criteria: GeneDx Variant Classification Process June 2021. Collection method: clinical testing. Allele origin: germline. Affected: yes.
Comment: In silico analysis indicates that this missense variant does not alter protein structure/function; Has not been previously published as pathogenic or benign to our knowledge

Labcorp Genetics (formerly Invitae), Labcorp
Classification: Uncertain significance. Last evaluated: 2023-03-01. Review status: criteria provided, single submitter. Criteria: Invitae Variant Classification Sherloc (09022015). Collection method: clinical testing. Allele origin: germline.
Comment: In summary, the available evidence is currently insufficient to determine the role of this variant in disease. Therefore, it has been classified as a Variant of Uncertain Significance. This sequence change replaces arginine, which is basic and polar, with glutamine, which is neutral and polar, at codon 480 of the CDC14A protein (p.Arg480Gln). This variant is present in population databases (rs749988305, gnomAD 0.009%). This variant has not been reported in the literature in individuals affected with CDC14A-related conditions. An algorithm developed to predict the effect of missense changes on protein structure and function (PolyPhen-2) suggests that this variant is likely to be disruptive.

Dr. Peter K. Rogan Lab, Western University
No classification provided (evidence only). Condition: Uterine corpus endometrial carcinoma. Review status: no classification provided. Collection method: in vitro. Allele origin: not applicable. Functional consequence: retained intron. Not counted in ClinVar's aggregate classification.

NM_003672.4(CDC14A):c.1439G>A (p.Arg480Gln)

Gene: CDC14A (cell division cycle 14A; plus strand). Cytogenetic location: 1p21.2.
Variant type: single nucleotide variant.
Coding change: c.1439G>A on transcript NM_003672.4 (MANE Select); coding-DNA position 1439, G replaced by A.
Protein change: p.Arg480Gln; replaces arginine 480 with glutamine.
Molecular consequence: missense variant.
Genome position (GRCh38, 1-based): chr1:100,498,946, G>A. VCF-style: chr1-100498946-G-A. GRCh37 (hg19) VCF-style: chr1-100964502-G-A.
Other names: c.1439G>A, p.Arg480Gln (NM_001319210.2, NM_033312.3); c.1265G>A, p.Arg422Gln (NM_001319211.2); c.560G>A, p.Arg187Gln (NM_001319212.2); c.1439G>A (NM_003672.3); short protein forms R422Q, R480Q, R187Q.
Identifiers: ClinVar variation 2885835 (VCV002885835.3), dbSNP rs749988305, ClinGen allele CA970903.